The following is an entry in ClinVar:

ClinVar aggregate classification (germline): Uncertain significance (1 of 4 stars; one submission).

Submission:

GeneDx
Classification: Uncertain significance. Last evaluated: 2021-03-23. Review status: criteria provided, single submitter. Criteria: GeneDx Variant Classification Process June 2021. Collection method: clinical testing. Allele origin: germline. Affected: yes.
Comment: Not observed in large population cohorts (Lek et al., 2016); In silico analysis supports that this missense variant has a deleterious effect on protein structure/function; Has not been previously published as pathogenic or benign to our knowledge

NM_001039591.3(USP9X):c.1327G>A (p.Glu443Lys)

Gene: USP9X (ubiquitin specific peptidase 9 X-linked; plus strand). Cytogenetic location: Xp11.4.
Variant type: single nucleotide variant.
Coding change: c.1327G>A on transcript NM_001039591.3 (MANE Select); coding-DNA position 1327, G replaced by A.
Protein change: p.Glu443Lys; replaces glutamic acid 443 with lysine.
Molecular consequence: missense variant.
Genome position (GRCh38, 1-based): chrX:41,144,534, G>A. VCF-style: chrX-41144534-G-A. GRCh37 (hg19) VCF-style: chrX-41003787-G-A.
Other names: c.1327G>A, p.Glu443Lys (NM_001039590.3); short protein forms E443K.
Identifiers: ClinVar variation 450123 (VCV000450123.3), dbSNP rs1555921450, ClinGen allele CA412770225.